The following is an entry in ClinVar:

NM_000548.5(TSC2):c.4044C>T (p.His1348=)

Gene: TSC2 (TSC complex subunit 2; plus strand). Cytogenetic location: 16p13.3.
Variant type: single nucleotide variant.
Coding change: c.4044C>T on transcript NM_000548.5 (MANE Select); coding-DNA position 4044, C replaced by T.
Protein change: p.His1348=; no amino-acid change (histidine 1348 retained).
Molecular consequence: synonymous variant.
Genome position (GRCh38, 1-based): chr16:2,084,266, C>T. VCF-style: chr16-2084266-C-T. GRCh37 (hg19) VCF-style: chr16-2134267-C-T.
Other names: c.3843C>T, p.His1281= (NM_001077183.3); c.3975C>T, p.His1325= (NM_001114382.3); c.3735C>T, p.His1245= (NM_001318827.2); c.3699C>T, p.His1233= (NM_001318829.2); c.3312C>T, p.His1104= (NM_001318831.2); c.3876C>T, p.His1292= (NM_001318832.2); c.3846C>T, p.His1282= (NM_001363528.2); c.3912C>T, p.His1304= (NM_001370404.1); and 2 more.
Identifiers: ClinVar variation 49537 (VCV000049537.49), dbSNP rs137854084, ClinGen allele CA019871.

ClinVar aggregate classification (germline): Conflicting classifications of pathogenicity. Review status: criteria provided, conflicting classifications (1 of 4 stars). 12 submissions from 12 submitters: Uncertain significance (1); Benign (2); Likely benign (7). 2 of the submissions do not count toward it. Last evaluated 2026-01-31.

Conditions:
TSC2-related disorder. Also called: TSC2-related condition; TSC2-Related Disorders.
Hereditary cancer-predisposing syndrome. Also called: Hereditary Cancer Syndrome; Tumor predisposition; Neoplastic Syndromes, Hereditary; Hereditary neoplastic syndrome. Identifiers: Orphanet 140162, MedGen C0027672, MeSH D009386, MONDO:0015356.
Tuberous sclerosis syndrome (TSC). Also called: Tuberous Sclerosis Complex; Tuberous sclerosis. Identifiers: Orphanet 805, MedGen C0041341, MONDO:0001734.
Tuberous sclerosis 2 (TSC2). Identifiers: Orphanet 805, MedGen C1860707, MONDO:0013199, OMIM 613254.

Allele frequency attached by ClinVar (database versions not stated): ExAC 0.00001; gnomAD exomes 0.00001 and 0.00002; ESP Exome Variant Server 0.00008; gnomAD 0.00015 and 0.00018; TOPMed 0.00019.
gnomAD v4.1: 40 of 1,608,226 alleles (0.0025%); highest among the groups gnomAD compares: African/African-American, 0.029%; no homozygotes.

Submissions (12):

Labcorp Genetics (formerly Invitae), Labcorp
Classification: Benign for Tuberous sclerosis 2. Last evaluated: 2026-01-31. Review status: criteria provided, single submitter. Criteria: Invitae Variant Classification Sherloc (09022015). Collection method: clinical testing. Allele origin: germline.

Myriad Genetics, Inc.
Classification: Benign for Tuberous sclerosis 2. Last evaluated: 2025-06-02. Review status: criteria provided, single submitter. Criteria: Myriad Autosomal Dominant, Autosomal Recessive and X-Linked Classification Criteria (2023). Collection method: clinical testing. Allele origin: unknown.
Comment: This variant is considered benign. This variant is a silent/synonymous amino acid change and it is not expected to impact splicing.

All of Us Research Program, National Institutes of Health
Classification: Likely benign for Tuberous sclerosis syndrome. Last evaluated: 2024-08-13. Review status: criteria provided, single submitter. Criteria: ACMG Guidelines, 2015. Collection method: clinical testing. Allele origin: germline. Inheritance: Autosomal dominant inheritance. Observed: 13 variant alleles, 13 heterozygotes.
Comment: This study involves interpretation of variants in research participants for the purpose of population health screening. Participant phenotype was not available at the time of variant classification. Additional details can be found in publication PMID: 35346344, PMCID: PMC8962531

CeGaT Center for Human Genetics Tuebingen
Classification: Likely benign. Last evaluated: 2023-11-01. Review status: criteria provided, single submitter. Criteria: CeGaT Center For Human Genetics Tuebingen Variant Classification Criteria Version 2. Collection method: clinical testing. Allele origin: germline. Affected: yes. Observed: 1 variant allele.
Comment: TSC2: BP4, BP7

Color Diagnostics, LLC DBA Color Health
Classification: Likely benign for Tuberous sclerosis syndrome. Last evaluated: 2022-10-05. Review status: criteria provided, single submitter. Criteria: ACMG Guidelines, 2015. Collection method: clinical testing. Allele origin: germline.

Genome-Nilou Lab
Classification: Likely benign for Tuberous sclerosis 2. Last evaluated: 2021-11-07. Review status: criteria provided, single submitter. Criteria: ACMG Guidelines, 2015. Collection method: clinical testing. Allele origin: germline. Affected: no.

Sema4
Classification: Likely benign for Hereditary cancer-predisposing syndrome. Last evaluated: 2021-08-09. Review status: criteria provided, single submitter. Criteria: Sema4 Curation Guidelines. Collection method: curation. Allele origin: germline.

Eurofins Ntd Llc (ga)
Classification: Uncertain significance. Last evaluated: 2018-02-27. Review status: criteria provided, single submitter. Criteria: EGL ClinVar v180209 classification definitions. Collection method: clinical testing. Allele origin: germline. Observed: 1 variant allele, 1 heterozygote.

GeneDx
Classification: Likely benign. Last evaluated: 2017-02-16. Review status: criteria provided, single submitter. Criteria: GeneDx Variant Classification (06012015). Collection method: clinical testing. Allele origin: germline. Affected: yes.
Comment: This variant is considered likely benign or benign based on one or more of the following criteria: it is a conservative change, it occurs at a poorly conserved position in the protein, it is predicted to be benign by multiple in silico algorithms, and/or has population frequency not consistent with disease.

Ambry Genetics
Classification: Likely benign for Hereditary cancer-predisposing syndrome. Last evaluated: 2016-12-12. Review status: criteria provided, single submitter. Criteria: Ambry Variant Classification Scheme 2023. Collection method: clinical testing. Allele origin: germline.

PreventionGenetics, part of Exact Sciences
Classification: Likely benign for TSC2-related condition. Last evaluated: 2022-01-28. Review status: no assertion criteria provided. Collection method: clinical testing. Allele origin: germline. Not counted in ClinVar's aggregate classification.
Comment: This variant is classified as likely benign based on ACMG/AMP sequence variant interpretation guidelines (Richards et al. 2015 PMID: 25741868, with internal and published modifications).

Tuberous sclerosis database (TSC2)
No classification provided. Condition: TSC. Review status: no classification provided. Criteria: Tuberous Sclerosis Database Assertion Criteria 2015. Collection method: curation. Allele origin: germline. Affected: yes. Not counted in ClinVar's aggregate classification.